The following is an entry in ClinVar:

ClinVar aggregate classification (germline): Uncertain significance (1 of 4 stars; one submission).

Conditions:
Charcot-Marie-Tooth disease axonal type 2O. Also called: Charcot-Marie-Tooth disease, axonal, type 20; CHARCOT-MARIE-TOOTH NEUROPATHY, AXONAL, TYPE 2O; CHARCOT-MARIE-TOOTH DISEASE, AXONAL, AUTOSOMAL DOMINANT, TYPE 2O; Charcot-Marie-Tooth Neuropathy Type 2O. Identifiers: Orphanet 284232, MedGen C3280220, MONDO:0013644, OMIM 614228.

Submission:

Labcorp Genetics (formerly Invitae), Labcorp
Classification: Uncertain significance for Charcot-Marie-Tooth disease axonal type 2O. Last evaluated: 2025-06-08. Review status: criteria provided, single submitter. Criteria: Invitae Variant Classification Sherloc (09022015). Collection method: clinical testing. Allele origin: germline.
Comment: This sequence change replaces threonine, which is neutral and polar, with alanine, which is neutral and non-polar, at codon 2627 of the DYNC1H1 protein (p.Thr2627Ala). This variant is not present in population databases (gnomAD no frequency). This missense change has been observed in individual(s) with clinical features of DYNC1H1-related conditions (internal data). ClinVar contains an entry for this variant (Variation ID: 1915681). Invitae Evidence Modeling of protein sequence and biophysical properties (such as structural, functional, and spatial information, amino acid conservation, physicochemical variation, residue mobility, and thermodynamic stability) has been performed for this missense variant. However, the output from this modeling did not meet the statistical confidence thresholds required to predict the impact of this variant on DYNC1H1 protein function. In summary, the available evidence is currently insufficient to determine the role of this variant in disease. Therefore, it has been classified as a Variant of Uncertain Significance.

NM_001376.5(DYNC1H1):c.7879A>G (p.Thr2627Ala)

Gene: DYNC1H1 (dynein cytoplasmic 1 heavy chain 1; plus strand). Cytogenetic location: 14q32.31.
Variant type: single nucleotide variant.
Coding change: c.7879A>G on transcript NM_001376.5 (MANE Select); coding-DNA position 7879, A replaced by G.
Protein change: p.Thr2627Ala; replaces threonine 2627 with alanine.
Molecular consequence: missense variant.
Genome position (GRCh38, 1-based): chr14:102,017,118, A>G. VCF-style: chr14-102017118-A-G. GRCh37 (hg19) VCF-style: chr14-102483455-A-G.
Other names: short protein forms T2627A.
Identifiers: ClinVar variation 1915681 (VCV001915681.5), dbSNP rs2503772731, ClinGen allele CA391003415.